The following is an entry in ClinVar:

ClinVar aggregate classification (germline): Likely pathogenic. Review status: criteria provided, multiple submitters, no conflicts (2 of 4 stars). 2 submissions from 2 submitters: Likely pathogenic (2). Last evaluated 2024-04-04.

Conditions:
Progressive familial intrahepatic cholestasis type 2. Identifiers: Orphanet 79304, MedGen C3489789, MONDO:0011156, OMIM 601847.

Allele frequency attached by ClinVar (database versions not stated): TOPMed below 0.00001; gnomAD 0.00001; gnomAD exomes 0.00001; ExAC 0.00002.
gnomAD v4.1: 10 of 1,613,596 alleles (0.00062%); highest among the groups gnomAD compares: South Asian, 0.0044%; no homozygotes.

Submissions (2):

Genomic Medicine Center of Excellence, King Faisal Specialist Hospital and Research Centre
Classification: Likely pathogenic for Progressive familial intrahepatic cholestasis type 2. Last evaluated: 2024-04-04. Review status: criteria provided, single submitter. Criteria: ACMG Guidelines, 2015. Collection method: clinical testing. Allele origin: germline.

Labcorp Genetics (formerly Invitae), Labcorp
Classification: Likely pathogenic. Last evaluated: 2022-12-31. Review status: criteria provided, single submitter. Criteria: Invitae Variant Classification Sherloc (09022015). Collection method: clinical testing. Allele origin: germline.
Comment: This sequence change replaces arginine, which is basic and polar, with histidine, which is basic and polar, at codon 948 of the ABCB11 protein (p.Arg948His). This variant is present in population databases (rs766286901, gnomAD 0.01%). This variant has not been reported in the literature in individuals affected with ABCB11-related conditions. Advanced modeling of protein sequence and biophysical properties (such as structural, functional, and spatial information, amino acid conservation, physicochemical variation, residue mobility, and thermodynamic stability) performed at Invitae indicates that this missense variant is expected to disrupt ABCB11 protein function. This variant disrupts the p.Arg948 amino acid residue in ABCB11. Other variant(s) that disrupt this residue have been determined to be pathogenic (PMID: 18395098, 19101985, 20683201, 26678486). This suggests that this residue is clinically significant, and that variants that disrupt this residue are likely to be disease-causing. In summary, the currently available evidence indicates that the variant is pathogenic, but additional data are needed to prove that conclusively. Therefore, this variant has been classified as Likely Pathogenic.

Literature cited by the submitters: PubMed 18395098 (cited by Labcorp Genetics (formerly Invitae), Labcorp); PubMed 19101985 (cited by Labcorp Genetics (formerly Invitae), Labcorp); PubMed 20683201 (cited by Labcorp Genetics (formerly Invitae), Labcorp); PubMed 26678486 (cited by Labcorp Genetics (formerly Invitae), Labcorp).

NM_003742.4(ABCB11):c.2843G>A (p.Arg948His)

Genes: ABCB11 (ATP binding cassette subfamily B member 11; minus strand), LOC126806400 (CDK7 strongly-dependent group 2 enhancer GRCh37_chr2:169791870-169793069; plus strand). Cytogenetic location: 2q31.1.
Variant type: single nucleotide variant.
Coding change: c.2843G>A on transcript NM_003742.4 (MANE Select); coding-DNA position 2843, G replaced by A.
Protein change: p.Arg948His; replaces arginine 948 with histidine.
Molecular consequence: missense variant.
Genome position (GRCh38, 1-based): chr2:168,935,397, C>T on the plus strand (G>A on the coding strand, the complement: ABCB11 is on the minus strand). VCF-style: chr2-168935397-C-T. GRCh37 (hg19) VCF-style: chr2-169791907-C-T.
Other names: short protein forms R948H.
Identifiers: ClinVar variation 2191815 (VCV002191815.5), dbSNP rs766286901, ClinGen allele CA1951164.